The following is an entry in ClinVar:

ClinVar aggregate classification (germline): Conflicting classifications of pathogenicity. Review status: criteria provided, conflicting classifications (1 of 4 stars). 2 submissions from 2 submitters: Likely pathogenic (1); Uncertain significance (1). Last evaluated 2024-04-30.

Conditions:
Inborn genetic diseases. Identifiers: MedGen C0950123, MeSH D030342.
Intellectual developmental disorder, X-linked, syndromic, Raymond type. Also called: Syndromic X-linked intellectual disability Raymond type. Identifiers: MedGen C3275406, MONDO:0010427, OMIM 300799.

Submissions (2):

Ambry Genetics
Classification: Likely pathogenic for Inborn genetic diseases. Last evaluated: 2024-04-30. Review status: criteria provided, single submitter. Criteria: Ambry Variant Classification Scheme 2023. Collection method: clinical testing. Allele origin: germline.
Comment: The c.764C>A (p.T255K) alteration is located in exon 8 (coding exon 6) of the ZDHHC9 gene. This alteration results from a C to A substitution at nucleotide position 764, causing the threonine (T) at amino acid position 255 to be replaced by a lysine (K). This variant was not reported in population-based cohorts in the Genome Aggregation Database (gnomAD). This amino acid position is highly conserved in available vertebrate species. This missense alteration is located in a region that has a low rate of benign missense variation (Lek, 2016; Firth, 2009). This alteration is predicted to be deleterious by in silico analysis. Based on the available evidence, this alteration is classified as likely pathogenic.

Labcorp Genetics (formerly Invitae), Labcorp
Classification: Uncertain significance for Intellectual developmental disorder, X-linked, syndromic, Raymond type. Last evaluated: 2021-09-01. Review status: criteria provided, single submitter. Criteria: Invitae Variant Classification Sherloc (09022015). Collection method: clinical testing. Allele origin: germline.

NM_016032.4(ZDHHC9):c.764C>A (p.Thr255Lys)

Gene: ZDHHC9 (zDHHC palmitoyltransferase 9; minus strand). Cytogenetic location: Xq26.1.
Variant type: single nucleotide variant.
Coding change: c.764C>A on transcript NM_016032.4 (MANE Select); coding-DNA position 764, C replaced by A.
Protein change: p.Thr255Lys; replaces threonine 255 with lysine.
Molecular consequence: missense variant.
Genome position (GRCh38, 1-based): chrX:129,812,731, G>T on the plus strand (C>A on the coding strand, the complement: ZDHHC9 is on the minus strand). VCF-style: chrX-129812731-G-T. GRCh37 (hg19) VCF-style: chrX-128946707-G-T.
Other names: c.764C>A (NM_016032.3); c.764C>A, p.Thr255Lys (NM_001008222.3); short protein forms T255K.
Identifiers: ClinVar variation 998899 (VCV000998899.5), dbSNP rs1927670769, ClinGen allele CA414583279.